The following is an entry in ClinVar:

NM_002432.3(MNDA):c.1208C>A (p.Pro403Gln)

Gene: MNDA (myeloid cell nuclear differentiation antigen; plus strand). Cytogenetic location: 1q23.1.
Variant type: single nucleotide variant.
Coding change: c.1208C>A on transcript NM_002432.3 (MANE Select); coding-DNA position 1208, C replaced by A.
Protein change: p.Pro403Gln; replaces proline 403 with glutamine.
Molecular consequence: missense variant.
Genome position (GRCh38, 1-based): chr1:158,849,221, C>A. VCF-style: chr1-158849221-C-A. GRCh37 (hg19) VCF-style: chr1-158819011-C-A.
Other names: short protein forms P403Q.
Identifiers: ClinVar variation 1749234 (VCV001749234.2), dbSNP rs147701010, ClinGen allele CA31309102.
Genomic context (GRCh38, chr1:158,849,221, plus strand): 5'-CATTATGTCTTTCTTATCTCTCTTTAAAGGTCATCAAGGCCAAGAAAAACAAGGAAGGAC[C>A]AATGAATGTTAATTGAAATATGAAAGCTGAAATGCAACAAACAACTTCCGCTTAAAACAA-3'
Protein context (NP_002423.1, residues 393-407): VIKAKKNKEG[Pro403Gln]MNVN

ClinVar aggregate classification (germline): Uncertain significance (1 of 4 stars; one submission).

Submission:

Ambry Genetics
Classification: Uncertain significance. Last evaluated: 2022-01-28. Review status: criteria provided, single submitter. Criteria: Ambry Variant Classification Scheme 2023. Collection method: clinical testing. Allele origin: germline.
Comment: The p.P403Q variant (also known as c.1208C>A), located in coding exon 6 of the MNDA gene, results from a C to A substitution at nucleotide position 1208. The proline at codon 403 is replaced by glutamine, an amino acid with similar properties. This amino acid position is conserved. In addition, this alteration is predicted to be tolerated by in silico analysis. Since supporting evidence is limited at this time, the clinical significance of this alteration remains unclear.